The following is an entry in ClinVar:

NM_198428.3(BBS9):c.105T>C (p.Asn35=)

Gene: BBS9 (Bardet-Biedl syndrome 9; plus strand). Cytogenetic location: 7p14.3.
Variant type: single nucleotide variant.
Coding change: c.105T>C on transcript NM_198428.3 (MANE Select); coding-DNA position 105, T replaced by C.
Protein change: p.Asn35=; no amino-acid change (asparagine 35 retained).
Molecular consequence: synonymous variant. On other transcripts: 5 prime UTR variant (3), non-coding transcript variant (3), intron variant (4).
Genome position (GRCh38, 1-based): chr7:33,146,357, T>C. VCF-style: chr7-33146357-T-C. GRCh37 (hg19) VCF-style: chr7-33185969-T-C.
Other names: c.105T>C, p.Asn35= (NM_001033604.2, NM_001033605.2, NM_001348036.1 and 5 more transcripts); c.-197T>C (NM_001348037.3); c.-173T>C (NM_001348038.3, NM_001348039.3); c.-23-6344T>C (NM_001348042.3); c.-189-6344T>C (NM_001348045.3); c.-39+16316T>C (NM_001348046.3, NM_001348044.3); c.105T>C (NM_198428.2).
Identifiers: ClinVar variation 1101003 (VCV001101003.10), dbSNP rs577536627, ClinGen allele CA156274425.
Genomic context (GRCh38, chr7:33,146,357, plus strand): 5'-AGATAAAGAAGAATTTGATCAAGGCTGTTTGTGTCTGGCTAATGTTGACAATAGTGGAAA[T>C]GGACAAGGTAAGCAACTTACAACCATACATCTTGGATGAAAGTTTTAAAGAGATCAAATA-3'
Protein context (NP_940820.1, residues 25-45): LCLANVDNSG[Asn35=]GQDKIIVGSF

ClinVar aggregate classification (germline): Likely benign. Review status: criteria provided, single submitter (1 of 4 stars). 2 submissions from 2 submitters: Likely benign (1). 1 of the submissions does not count toward it. Last evaluated 2025-07-22.

Conditions:
BBS9-related disorder. Also called: BBS9-related condition.
Bardet-Biedl syndrome (BBS). Identifiers: Orphanet 110, MedGen C0752166, MONDO:0015229.

gnomAD v4.1: 9 of 1,612,570 alleles (0.00056%); highest among the groups gnomAD compares: Middle Eastern, 0.033%; no homozygotes.

Submissions (2):

Labcorp Genetics (formerly Invitae), Labcorp
Classification: Likely benign for Bardet-Biedl syndrome. Last evaluated: 2025-07-22. Review status: criteria provided, single submitter. Criteria: Invitae Variant Classification Sherloc (09022015). Collection method: clinical testing. Allele origin: germline.

PreventionGenetics, part of Exact Sciences
Classification: Likely benign for BBS9-related condition. Last evaluated: 2024-05-21. Review status: no assertion criteria provided. Collection method: clinical testing. Allele origin: germline. Not counted in ClinVar's aggregate classification.
Comment: This variant is classified as likely benign based on ACMG/AMP sequence variant interpretation guidelines (Richards et al. 2015 PMID: 25741868, with internal and published modifications).